The following is an entry in ClinVar:

NM_014806.5(RUSC2):c.2555G>A (p.Gly852Glu)

Gene: RUSC2 (RUN and SH3 domain containing 2; plus strand). Cytogenetic location: 9p13.3.
Variant type: single nucleotide variant.
Coding change: c.2555G>A on transcript NM_014806.5 (MANE Select); coding-DNA position 2555, G replaced by A.
Protein change: p.Gly852Glu; replaces glycine 852 with glutamic acid.
Molecular consequence: missense variant. On other transcripts: 5 prime UTR variant (1), non-coding transcript variant (1).
Genome position (GRCh38, 1-based): chr9:35,555,600, G>A. VCF-style: chr9-35555600-G-A. GRCh37 (hg19) VCF-style: chr9-35555597-G-A.
Other names: c.2555G>A, p.Gly852Glu (NM_001135999.2); c.-80G>A (NM_001330740.2); c.2555G>A (NM_001135999.1); short protein forms G852E.
Identifiers: ClinVar variation 1480555 (VCV001480555.9), dbSNP rs1199430015, ClinGen allele CA373342523.
Genomic context (GRCh38, chr9:35,555,600, plus strand): 5'-AGCCGCAGAAGGAGGATCAGAAGATACTGACCTTGACTGAGTACCGGCTCCATGGAACAG[G>A]AAGCTTGCCGCCTCTGGGCTCCTGGCGATCTGGCCTCAGCCGAGCAGAGAGCCTGGCCCG-3'
Protein context (NP_055621.2, residues 842-862): TLTEYRLHGT[Gly852Glu]SLPPLGSWRS

ClinVar aggregate classification (germline): Uncertain significance. Review status: criteria provided, multiple submitters, no conflicts (2 of 4 stars). 2 submissions from 2 submitters: Uncertain significance (2). Last evaluated 2024-10-15.

Allele frequency attached by ClinVar (database versions not stated): gnomAD exomes 0.00001 and 0.00003; TOPMed 0.00003; gnomAD 0.00005 and 0.00006.

Submissions (2):

Labcorp Genetics (formerly Invitae), Labcorp
Classification: Uncertain significance. Last evaluated: 2024-10-15. Review status: criteria provided, single submitter. Criteria: Invitae Variant Classification Sherloc (09022015). Collection method: clinical testing. Allele origin: germline.
Comment: This sequence change replaces glycine, which is neutral and non-polar, with glutamic acid, which is acidic and polar, at codon 852 of the RUSC2 protein (p.Gly852Glu). This variant is present in population databases (no rsID available, gnomAD 0.006%). This variant has not been reported in the literature in individuals affected with RUSC2-related conditions. ClinVar contains an entry for this variant (Variation ID: 1480555). An algorithm developed to predict the effect of missense changes on protein structure and function (PolyPhen-2) suggests that this variant is likely to be disruptive. In summary, the available evidence is currently insufficient to determine the role of this variant in disease. Therefore, it has been classified as a Variant of Uncertain Significance.

Ambry Genetics
Classification: Uncertain significance. Last evaluated: 2023-04-25. Review status: criteria provided, single submitter. Criteria: Ambry Variant Classification Scheme 2023. Collection method: clinical testing. Allele origin: germline.